The following is an entry in ClinVar:

ClinVar aggregate classification (germline): Uncertain significance (1 of 4 stars; one submission).

Conditions:
Hepatic veno-occlusive disease-immunodeficiency syndrome. Also called: Hepatic Veno-Occlusive Disease with Immunodeficiency. Identifiers: Orphanet 79124, MedGen C1856128, MONDO:0009338, OMIM 235550. Disease mechanism: loss of function.

gnomAD v4.1: 1 of 1,614,100 alleles (0.000062%); highest among the groups gnomAD compares: African/African-American, 0.0013%; no homozygotes.

Submission:

Labcorp Genetics (formerly Invitae), Labcorp
Classification: Uncertain significance for Hepatic veno-occlusive disease-immunodeficiency syndrome. Last evaluated: 2023-07-17. Review status: criteria provided, single submitter. Criteria: Invitae Variant Classification Sherloc (09022015). Collection method: clinical testing. Allele origin: germline.
Comment: This variant has not been reported in the literature in individuals affected with SP110-related conditions. ClinVar contains an entry for this variant (Variation ID: 1410756). An algorithm developed to predict the effect of missense changes on protein structure and function (PolyPhen-2) suggests that this variant is likely to be disruptive. In summary, the available evidence is currently insufficient to determine the role of this variant in disease. Therefore, it has been classified as a Variant of Uncertain Significance. This sequence change replaces arginine, which is basic and polar, with proline, which is neutral and non-polar, at codon 607 of the SP110 protein (p.Arg607Pro). This variant is not present in population databases (gnomAD no frequency).

NM_080424.4(SP110):c.1892G>C (p.Arg631Pro)

Gene: SP110 (SP110 nuclear body protein; minus strand). Cytogenetic location: 2q37.1.
Variant type: single nucleotide variant.
Coding change: c.1892G>C on transcript NM_080424.4 (MANE Select); coding-DNA position 1892, G replaced by C.
Protein change: p.Arg631Pro; replaces arginine 631 with proline.
Molecular consequence: missense variant. On other transcripts: intron variant (1).
Genome position (GRCh38, 1-based): chr2:230,170,757, C>G on the plus strand (G>C on the coding strand, the complement: SP110 is on the minus strand). VCF-style: chr2-230170757-C-G. GRCh37 (hg19) VCF-style: chr2-231035473-C-G.
Other names: c.1988G>C, p.Arg663Pro (NM_001378442.1); c.1970G>C, p.Arg657Pro (NM_001378443.1); c.1910G>C, p.Arg637Pro (NM_001378444.1); c.1838G>C, p.Arg613Pro (NM_001378445.1); c.1820G>C, p.Arg607Pro (NM_004509.5); c.1833+1309G>C (NM_001378446.1); short protein forms R607P, R613P, R631P, R657P, R663P, R637P.
Identifiers: ClinVar variation 1410756 (VCV001410756.6), dbSNP rs143090622, ClinGen allele CA350898303.